The following is an entry in ClinVar:

NM_020191.4(MRPS22):c.879-3C>T

Gene: MRPS22 (mitochondrial ribosomal protein S22; plus strand). Cytogenetic location: 3q23.
Variant type: single nucleotide variant.
Coding change: c.879-3C>T on transcript NM_020191.4 (MANE Select); 3 bases into the intron before coding-DNA position 879, C replaced by T.
Molecular consequence: intron variant.
Genome position (GRCh38, 1-based): chr3:139,355,679, C>T. VCF-style: chr3-139355679-C-T. GRCh37 (hg19) VCF-style: chr3-139074521-C-T.
Other names: c.876-3C>T (NM_001363893.1); c.756-3C>T (NM_001363857.1).
Identifiers: ClinVar variation 3048689 (VCV003048689.2), dbSNP rs760360764, ClinGen allele CA2640853.

ClinVar aggregate classification (germline): Likely benign (0 of 4 stars; one submission).

Conditions:
MRPS22-related disorder. Also called: MRPS22-related condition.

Allele frequency attached by ClinVar (database versions not stated): ExAC 0.00002; gnomAD 0.00003; TOPMed 0.00003; gnomAD exomes 0.00005.
gnomAD v4.1: 81 of 1,612,558 alleles (0.005%); highest among the groups gnomAD compares: Non-Finnish European, 0.0062%; no homozygotes.

Submission:

PreventionGenetics, part of Exact Sciences
Classification: Likely benign for MRPS22-related condition. Last evaluated: 2019-12-17. Review status: no assertion criteria provided. Collection method: clinical testing. Allele origin: germline.
Comment: This variant is classified as likely benign based on ACMG/AMP sequence variant interpretation guidelines (Richards et al. 2015 PMID: 25741868, with internal and published modifications).